The following is an entry in ClinVar:

ClinVar aggregate classification (germline): Pathogenic (1 of 4 stars; one submission).

Submission:

GeneDx
Classification: Pathogenic. Last evaluated: 2017-06-15. Review status: criteria provided, single submitter. Criteria: GeneDx Variant Classification (06012015). Collection method: clinical testing. Allele origin: germline. Affected: yes.
Comment: The S2741X variant in the CDH23 gene has not been reported previously as a pathogenic variant nor as a benign variant, to our knowledge. This variant is predicted to cause loss of normal protein function either through protein truncation or nonsense-mediated mRNA decay. The S2741X variant is not observed in large population cohorts (Lek et al., 2016; 1000 Genomes Consortium et al., 2015; Exome Variant Server). We interpret S2741X as a pathogenic variant.

NM_022124.6(CDH23):c.8222C>A (p.Ser2741Ter)

Gene: CDH23 (cadherin related 23; plus strand). Cytogenetic location: 10q22.1.
Variant type: single nucleotide variant.
Coding change: c.8222C>A on transcript NM_022124.6 (MANE Select); coding-DNA position 8222, C replaced by A.
Protein change: p.Ser2741Ter; replaces serine 2741 with a stop codon.
Molecular consequence: nonsense.
Genome position (GRCh38, 1-based): chr10:71,807,320, C>A. VCF-style: chr10-71807320-C-A. GRCh37 (hg19) VCF-style: chr10-73567077-C-A.
Other names: c.1502C>A, p.Ser501Ter (NM_001171933.1, NM_001171934.1); short protein forms S2741*, S501*.
Identifiers: ClinVar variation 489005 (VCV000489005.2), dbSNP rs1554876990, ClinGen allele CA377130937.